The following is an entry in ClinVar:

ClinVar aggregate classification (germline): Benign/Likely benign. Review status: criteria provided, multiple submitters, no conflicts (2 of 4 stars). 5 submissions from 5 submitters: Benign (4); Likely benign (1). Last evaluated 2026-02-04.

Conditions:
Familial adenomatous polyposis 1 (FAP1). Also called: POLYPOSIS, ADENOMATOUS INTESTINAL; FAMILIAL ADENOMATOUS POLYPOSIS 1, ATTENUATED. Identifiers: MedGen C2713442, MONDO:0021056, OMIM 175100. Disease mechanism: loss of function.

Allele frequency attached by ClinVar (database versions not stated): gnomAD 0.04642 and 0.04732; TOPMed 0.05191; 1000 Genomes Project 0.08147; gnomAD exomes 0.03478; 1000 Genomes Project 30x 0.07964.

Submissions (5):

Labcorp Genetics (formerly Invitae), Labcorp
Classification: Benign for Familial adenomatous polyposis 1. Last evaluated: 2026-02-04. Review status: criteria provided, single submitter. Criteria: Invitae Variant Classification Sherloc (09022015). Collection method: clinical testing. Allele origin: germline.

Center for Genomic Medicine, Rigshospitalet, Copenhagen University Hospital
Classification: Benign. Last evaluated: 2025-03-04. Review status: criteria provided, single submitter. Criteria: ACMG Guidelines, 2015. Collection method: clinical testing. Allele origin: germline.

Blueprint Genetics
Classification: Likely benign. Last evaluated: 2024-11-26. Review status: criteria provided, single submitter. Criteria: ACMG Guidelines, 2015. Collection method: clinical testing. Allele origin: germline.

ARUP Laboratories, Molecular Genetics and Genomics, ARUP Laboratories
Classification: Benign. Last evaluated: 2022-06-22. Review status: criteria provided, single submitter. Criteria: ARUP Molecular Germline Variant Investigation Process 2021. Collection method: clinical testing. Allele origin: germline.

GeneDx
Classification: Benign. Last evaluated: 2016-11-16. Review status: criteria provided, single submitter. Criteria: GeneDx Variant Classification (06012015). Collection method: clinical testing. Allele origin: germline. Affected: yes.
Comment: This variant is considered likely benign or benign based on one or more of the following criteria: it is a conservative change, it occurs at a poorly conserved position in the protein, it is predicted to be benign by multiple in silico algorithms, and/or has population frequency not consistent with disease.

NC_000005.10:g.112707473A>C

Gene: APC (APC regulator of Wnt signaling pathway; plus strand). Cytogenetic location: 5q22.2.
Variant type: single nucleotide variant.
Genome position: GRCh38 VCF-style: chr5-112707473-A-C. GRCh37 (hg19) VCF-style: chr5-112043170-A-C.
Other names: c.-245A>C (NM_001354897.2).
Identifiers: ClinVar variation 379248 (VCV000379248.63), dbSNP rs75580617, ClinGen allele CA12120713.